The following is an entry in ClinVar:

ClinVar aggregate classification (germline): Uncertain significance. Review status: criteria provided, multiple submitters, no conflicts (2 of 4 stars). 3 submissions from 3 submitters: Uncertain significance (2). 1 of the submissions does not count toward it. Last evaluated 2024-06-14.

Conditions:
Familial dysautonomia. Also called: HSAN III; FD. Identifiers: Orphanet 1764, MedGen C0013364, MONDO:0009131, OMIM 223900. Disease mechanism: loss of function.
Medulloblastoma (MDB). Also called: Medulloblastoma, somatic; MEDULLOBLASTOMA PREDISPOSITION SYNDROME. Identifiers: Orphanet 616, MedGen C0025149, MeSH D008527, MONDO:0007959, OMIM 155255, HP:0002885.

Allele frequency attached by ClinVar (database versions not stated): TOPMed below 0.00001; gnomAD exomes 0.00001 and 0.00002; ExAC 0.00002.
gnomAD v4.1: 6 of 1,614,112 alleles (0.00037%); highest among the groups gnomAD compares: Admixed American, 0.01%; no homozygotes.

Submissions (3):

Fulgent Genetics
Classification: Uncertain significance for Medulloblastoma; Familial dysautonomia. Last evaluated: 2024-06-14. Review status: criteria provided, single submitter. Criteria: ACMG Guidelines, 2015. Collection method: clinical testing. Allele origin: germline.

Labcorp Genetics (formerly Invitae), Labcorp
Classification: Uncertain significance. Last evaluated: 2019-04-26. Review status: criteria provided, single submitter. Criteria: Invitae Variant Classification Sherloc (09022015). Collection method: clinical testing. Allele origin: germline.
Comment: This sequence change falls in intron 2 of the ELP1 gene. It does not directly change the encoded amino acid sequence of the ELP1 protein, but it affects a nucleotide within the consensus splice site of the intron. This variant is present in population databases (rs760208051, ExAC 0.02%). This variant has not been reported in the literature in individuals with ELP1-related conditions. Nucleotide substitutions within the consensus splice site are a relatively common cause of aberrant splicing (PMID: 17576681, 9536098). Algorithms developed to predict the effect of sequence changes on RNA splicing suggest that this variant may disrupt the consensus splice site, but this prediction has not been confirmed by published transcriptional studies. In summary, the available evidence is currently insufficient to determine the role of this variant in disease. Therefore, it has been classified as a Variant of Uncertain Significance.

Natera, Inc.
Classification: Uncertain significance for Familial dysautonomia. Last evaluated: 2020-08-11. Review status: no assertion criteria provided. Collection method: clinical testing. Allele origin: germline. Not counted in ClinVar's aggregate classification.

Literature cited by the submitters: PubMed 17576681 (cited by Labcorp Genetics (formerly Invitae), Labcorp); PubMed 9536098 (cited by Labcorp Genetics (formerly Invitae), Labcorp).

NM_003640.5(ELP1):c.150+3A>G

Gene: ELP1 (elongator acetyltransferase complex subunit 1; minus strand). Cytogenetic location: 9q31.3.
Variant type: single nucleotide variant.
Coding change: c.150+3A>G on transcript NM_003640.5 (MANE Select); 3 bases into the intron after coding-DNA position 150, A replaced by G.
Molecular consequence: intron variant.
Genome position (GRCh38, 1-based): chr9:108,930,994, T>C on the plus strand (A>G on the coding strand, the complement: ELP1 is on the minus strand). VCF-style: chr9-108930994-T-C. GRCh37 (hg19) VCF-style: chr9-111693274-T-C.
Other names: c.-193+3A>G (NM_001318360.2); c.-710+3A>G (NM_001330749.2).
Identifiers: ClinVar variation 969058 (VCV000969058.5), dbSNP rs760208051, ClinGen allele CA5175458.